The following is an entry in ClinVar:

ClinVar aggregate classification (germline): Uncertain significance (1 of 4 stars; one submission).

Conditions:
X-linked immunodeficiency with magnesium defect, Epstein-Barr virus infection and neoplasia. Identifiers: Orphanet 317476, MedGen C3275445, MONDO:0010455, OMIM 300853.

Submission:

Labcorp Genetics (formerly Invitae), Labcorp
Classification: Uncertain significance for X-linked immunodeficiency with magnesium defect, Epstein-Barr virus infection and neoplasia. Last evaluated: 2024-09-18. Review status: criteria provided, single submitter. Criteria: Invitae Variant Classification Sherloc (09022015). Collection method: clinical testing. Allele origin: germline.
Comment: This sequence change replaces alanine, which is neutral and non-polar, with valine, which is neutral and non-polar, at codon 322 of the MAGT1 protein (p.Ala322Val). This variant is not present in population databases (gnomAD no frequency). This variant has not been reported in the literature in individuals affected with MAGT1-related conditions. Invitae Evidence Modeling of protein sequence and biophysical properties (such as structural, functional, and spatial information, amino acid conservation, physicochemical variation, residue mobility, and thermodynamic stability) indicates that this missense variant is not expected to disrupt MAGT1 protein function with a negative predictive value of 80%. In summary, the available evidence is currently insufficient to determine the role of this variant in disease. Therefore, it has been classified as a Variant of Uncertain Significance.

NM_001367916.1(MAGT1):c.869C>T (p.Ala290Val)

Gene: MAGT1 (magnesium transporter 1; minus strand). Cytogenetic location: Xq21.1.
Variant type: single nucleotide variant.
Coding change: c.869C>T on transcript NM_001367916.1 (MANE Select); coding-DNA position 869, C replaced by T.
Protein change: p.Ala290Val; replaces alanine 290 with valine.
Molecular consequence: missense variant.
Genome position (GRCh38, 1-based): chrX:77,841,278, G>A on the plus strand (C>T on the coding strand, the complement: MAGT1 is on the minus strand). VCF-style: chrX-77841278-G-A. GRCh37 (hg19) VCF-style: chrX-77096775-G-A.
Other names: c.965C>T, p.Ala322Val (NM_032121.5); short protein forms A290V, A322V.
Identifiers: ClinVar variation 3614777 (VCV003614777.2).